The following is an entry in ClinVar:

ClinVar aggregate classification (germline): Uncertain significance (1 of 4 stars; one submission).

Conditions:
RFT1-congenital disorder of glycosylation (CDG1N). Also called: Congenital disorder of glycosylation type In; RFT1-CDG; CDG In. Identifiers: Orphanet 244310, MedGen C2677590, MONDO:0012783, OMIM 612015.

Submission:

Labcorp Genetics (formerly Invitae), Labcorp
Classification: Uncertain significance for RFT1-congenital disorder of glycosylation. Last evaluated: 2022-08-16. Review status: criteria provided, single submitter. Criteria: Invitae Variant Classification Sherloc (09022015). Collection method: clinical testing. Allele origin: germline.
Comment: In summary, the available evidence is currently insufficient to determine the role of this variant in disease. Therefore, it has been classified as a Variant of Uncertain Significance. Experimental studies and prediction algorithms are not available or were not evaluated, and the functional significance of this variant is currently unknown. ClinVar contains an entry for this variant (Variation ID: 1369239). This variant has not been reported in the literature in individuals affected with RFT1-related conditions. This variant is not present in population databases (gnomAD no frequency). This sequence change creates a premature translational stop signal (p.Leu467Profs*26) in the RFT1 gene. While this is not anticipated to result in nonsense mediated decay, it is expected to disrupt the last 75 amino acid(s) of the RFT1 protein.

NM_052859.4(RFT1):c.1399dup (p.Leu467fs)

Gene: RFT1 (RFT1 glycolipid translocator homolog; minus strand). Cytogenetic location: 3p21.1.
Variant type: Duplication.
Coding change: c.1399dup on transcript NM_052859.4 (MANE Select); coding-DNA position 1399, one base duplicated (C; older notation c.1399dupC).
Protein change: p.Leu467fs; shifts the reading frame from leucine 467.
Molecular consequence: frameshift variant.
Genome position (GRCh38, 1-based): chr3:53,092,428, G duplicated on the plus strand (C on the coding strand, the reverse complement: RFT1 is on the minus strand); the first of 2 consecutive G bases (chr3:53,092,428-53,092,429); duplicating either gives the same sequence. VCF-style (leftmost placement, unchanged base first): chr3-53092427-A-AG. GRCh37 (hg19) VCF-style: chr3-53126443-A-AG.
Other names: short protein forms L467fs.
Identifiers: ClinVar variation 1369239 (VCV001369239.6), dbSNP rs2107071266, ClinGen allele CA2573137362.